The following is an entry in ClinVar:

ClinVar aggregate classification (germline): Conflicting classifications of pathogenicity. Review status: criteria provided, conflicting classifications (1 of 4 stars). 5 submissions from 5 submitters: Uncertain significance (4); Likely benign (1). Last evaluated 2025-08-07.

Conditions:
Familial isolated arrhythmogenic right ventricular dysplasia. Identifiers: Orphanet 217656, MedGen C4274968, MONDO:0016342.
Cardiovascular phenotype. Identifiers: MedGen CN230736.
Arrhythmogenic right ventricular dysplasia 11. Also called: Arrhythmogenic right ventricular dysplasia 11 with mild palmoplantar keratoderma and woolly hair; Arrhythmogenic Right Ventricular Dysplasia/Cardiomyopathy11; ARRHYTHMOGENIC RIGHT VENTRICULAR DYSPLASIA, FAMILIAL, 11. Identifiers: MedGen C1864850, MONDO:0012506, OMIM 610476.
Cardiomyopathy (CMYO). Also called: Cardiomyopathies. Identifiers: Orphanet 167848, MedGen C0878544, MONDO:0004994, HP:0001638. Inheritance: Various modes of inheritance.

Allele frequency attached by ClinVar (database versions not stated): gnomAD 0.00001.

Submissions (5):

Color Diagnostics, LLC DBA Color Health
Classification: Likely benign for Cardiomyopathy. Last evaluated: 2025-08-07. Review status: criteria provided, single submitter. Criteria: ACMG Guidelines, 2015. Collection method: clinical testing. Allele origin: germline.

All of Us Research Program, National Institutes of Health
Classification: Uncertain significance for Familial isolated arrhythmogenic right ventricular dysplasia. Last evaluated: 2023-12-13. Review status: criteria provided, single submitter. Criteria: ACMG Guidelines, 2015. Collection method: clinical testing. Allele origin: germline. Inheritance: Autosomal dominant inheritance. Observed: 2 variant alleles, 2 heterozygotes.
Comment: This missense variant replaces serine with leucine at codon 526 of the DSC2 protein. Computational prediction suggests that this variant may not impact protein structure and function (internally defined REVEL score threshold <= 0.5, PMID: 27666373). To our knowledge, functional studies have not been reported for this variant. This variant has been reported in an individual affected with dilated cardiomyopathy (PMID: 31983221). This variant has not been identified in the general population by the Genome Aggregation Database (gnomAD). The available evidence is insufficient to determine the role of this variant in disease conclusively. Therefore, this variant is classified as a Variant of Uncertain Significance.

This study involves interpretation of variants in research participants for the purpose of population health screening. Participant phenotype was not available at the time of variant classification. Additional details can be found in publication PMID: 35346344, PMCID: PMC8962531

Labcorp Genetics (formerly Invitae), Labcorp
Classification: Uncertain significance for Arrhythmogenic right ventricular dysplasia 11. Last evaluated: 2023-03-20. Review status: criteria provided, single submitter. Criteria: Invitae Variant Classification Sherloc (09022015). Collection method: clinical testing. Allele origin: germline.
Comment: This sequence change replaces serine, which is neutral and polar, with leucine, which is neutral and non-polar, at codon 526 of the DSC2 protein (p.Ser526Leu). This variant is not present in population databases (gnomAD no frequency). In summary, the available evidence is currently insufficient to determine the role of this variant in disease. Therefore, it has been classified as a Variant of Uncertain Significance. Advanced modeling of protein sequence and biophysical properties (such as structural, functional, and spatial information, amino acid conservation, physicochemical variation, residue mobility, and thermodynamic stability) performed at Invitae indicates that this missense variant is not expected to disrupt DSC2 protein function. ClinVar contains an entry for this variant (Variation ID: 1311888). This missense change has been observed in individual(s) with dilated cardiomyopathy (PMID: 31983221).

Ambry Genetics
Classification: Uncertain significance for Cardiovascular phenotype. Last evaluated: 2021-07-23. Review status: criteria provided, single submitter. Criteria: Ambry Variant Classification Scheme 2023. Collection method: clinical testing. Allele origin: germline.
Comment: The p.S526L variant (also known as c.1577C>T), located in coding exon 11 of the DSC2 gene, results from a C to T substitution at nucleotide position 1577. The serine at codon 526 is replaced by leucine, an amino acid with dissimilar properties. This alteration has been reported in a dilated cardiomyopathy (DCM) cohort; however, clinical details were limited (Mazzarotto F et al. Circulation, 2020 02;141:387-398). This amino acid position is not well conserved in available vertebrate species, and leucine is the reference amino acid in other vertebrate species. In addition, this alteration is predicted to be tolerated by in silico analysis. Since supporting evidence is limited at this time, the clinical significance of this alteration remains unclear.

GeneDx
Classification: Uncertain significance. Last evaluated: 2019-09-04. Review status: criteria provided, single submitter. Criteria: GeneDx Variant Classification Process June 2021. Collection method: clinical testing. Allele origin: germline. Affected: yes.
Comment: Has not been previously published as pathogenic or benign to our knowledge; Not observed in large population cohorts (Lek et al., 2016); In silico analysis, which includes protein predictors and evolutionary conservation, supports a deleterious effect; This variant is associated with the following publications: (PMID: 31983221)

Literature cited by the submitters: PubMed 31983221 (cited by 3 submitters).

NM_024422.6(DSC2):c.1577C>T (p.Ser526Leu)

Gene: DSC2 (desmocollin 2; minus strand). Cytogenetic location: 18q12.1.
Variant type: single nucleotide variant.
Coding change: c.1577C>T on transcript NM_024422.6 (MANE Select); coding-DNA position 1577, C replaced by T.
Protein change: p.Ser526Leu; replaces serine 526 with leucine.
Molecular consequence: missense variant.
Genome position (GRCh38, 1-based): chr18:31,079,933, G>A on the plus strand (C>T on the coding strand, the complement: DSC2 is on the minus strand). VCF-style: chr18-31079933-G-A. GRCh37 (hg19) VCF-style: chr18-28659899-G-A.
Other names: c.1577C>T, p.Ser526Leu (NM_004949.5); short protein forms S526L.
Identifiers: ClinVar variation 1311888 (VCV001311888.9), dbSNP rs887847751, ClinGen allele CA297636924.